The following is an entry in ClinVar:

ClinVar aggregate classification (germline): Uncertain significance (1 of 4 stars; one submission).

Conditions:
Autoimmune interstitial lung disease-arthritis syndrome. Also called: Autoinflammation and autoimmunity, systemic, with immune dysregulation. Identifiers: Orphanet 444092, MedGen C5975714, MONDO:0014629.

Allele frequency attached by ClinVar (database versions not stated): gnomAD 0.00001; gnomAD exomes 0.00001; TOPMed 0.00001.

Submission:

Labcorp Genetics (formerly Invitae), Labcorp
Classification: Uncertain significance for Autoimmune interstitial lung disease-arthritis syndrome. Last evaluated: 2025-09-15. Review status: criteria provided, single submitter. Criteria: Invitae Variant Classification Sherloc (09022015). Collection method: clinical testing. Allele origin: germline.
Comment: This sequence change replaces arginine, which is basic and polar, with histidine, which is basic and polar, at codon 717 of the COPA protein (p.Arg717His). This variant is present in population databases (no rsID available, gnomAD 0.02%). This variant has not been reported in the literature in individuals affected with COPA-related conditions. ClinVar contains an entry for this variant (Variation ID: 938328). Invitae Evidence Modeling of protein sequence and biophysical properties (such as structural, functional, and spatial information, amino acid conservation, physicochemical variation, residue mobility, and thermodynamic stability) indicates that this missense variant is not expected to disrupt COPA protein function with a negative predictive value of 80%. In summary, the available evidence is currently insufficient to determine the role of this variant in disease. Therefore, it has been classified as a Variant of Uncertain Significance.

NM_004371.4(COPA):c.2150G>A (p.Arg717His)

Gene: COPA (coat protein complex I subunit alpha; minus strand). Cytogenetic location: 1q23.2.
Variant type: single nucleotide variant.
Coding change: c.2150G>A on transcript NM_004371.4 (MANE Select); coding-DNA position 2150, G replaced by A.
Protein change: p.Arg717His; replaces arginine 717 with histidine.
Molecular consequence: missense variant.
Genome position (GRCh38, 1-based): chr1:160,297,573, C>T on the plus strand (G>A on the coding strand, the complement: COPA is on the minus strand). VCF-style: chr1-160297573-C-T. GRCh37 (hg19) VCF-style: chr1-160267363-C-T.
Other names: c.2177G>A, p.Arg726His (NM_001098398.2); short protein forms R717H, R726H.
Identifiers: ClinVar variation 938328 (VCV000938328.7), dbSNP rs1051839166, ClinGen allele CA31536266.